The following is an entry in ClinVar:

NM_003383.5(VLDLR):c.1458C>T (p.Ala486=)

Genes: VLDLR (very low density lipoprotein receptor; plus strand), LOC130001471 (ATAC-STARR-seq lymphoblastoid silent region 19736; plus strand). Cytogenetic location: 9p24.2.
Variant type: single nucleotide variant.
Coding change: c.1458C>T on transcript NM_003383.5 (MANE Select); coding-DNA position 1458, C replaced by T.
Protein change: p.Ala486=; no amino-acid change (alanine 486 retained).
Molecular consequence: synonymous variant.
Genome position (GRCh38, 1-based): chr9:2,645,719, C>T. VCF-style: chr9-2645719-C-T. GRCh37 (hg19) VCF-style: chr9-2645719-C-T.
Other names: p.A486A:GCC>GCT; p.Ala486=; c.1458C>T, p.Ala486= (NM_001018056.3); c.1335C>T, p.Ala445= (NM_001322225.2, NM_001322226.2).
Identifiers: ClinVar variation 130703 (VCV000130703.19), dbSNP rs6143, ClinGen allele CA155912.

ClinVar aggregate classification (germline): Benign/Likely benign. Review status: criteria provided, multiple submitters, no conflicts (2 of 4 stars). 6 submissions from 6 submitters: Benign (4); Likely benign (1). 1 of the submissions does not count toward it. Last evaluated 2026-02-04.

Conditions:
Cerebellar ataxia, impaired intellectual development, and dysequilibrium syndrome 1. Also called: CEREBELLAR ATAXIA AND MENTAL RETARDATION WITH OR WITHOUT QUADRUPEDAL LOCOMOTION 1; CEREBELLAR ATAXIA, CONGENITAL, AND MENTAL RETARDATION, AUTOSOMAL RECESSIVE; VLDLR Cerebellar Hypoplasia; Cerebellar hypoplasia and mental retardation with or without quadrupedal locomotion 1; Cerebellar ataxia, intellectual disability, and dysequilibrium syndrome 1; Cerebellar ataxia, mental retardation, and dysequilibrium syndrome 1. Identifiers: Orphanet 1766, MedGen C4551552, MONDO:0024542, OMIM 224050.

Allele frequency attached by ClinVar (database versions not stated): gnomAD exomes 0.00524 and 0.01302; ExAC 0.01502; gnomAD 0.04150 and 0.04393; TOPMed 0.04616; ESP Exome Variant Server 0.04652; 1000 Genomes Project 0.04752; 1000 Genomes Project 30x 0.04888.
gnomAD v4.1: 14,346 of 1,614,000 alleles (0.89%); highest among the groups gnomAD compares: African/African-American, 14%; 734 homozygotes.

Submissions (6):

Labcorp Genetics (formerly Invitae), Labcorp
Classification: Benign. Last evaluated: 2026-02-04. Review status: criteria provided, single submitter. Criteria: Invitae Variant Classification Sherloc (09022015). Collection method: clinical testing. Allele origin: germline.

Mayo Clinic Laboratories, Mayo Clinic
Classification: Benign. Last evaluated: 2022-03-24. Review status: criteria provided, single submitter. Criteria: ACMG Guidelines, 2015. Collection method: clinical testing. Allele origin: germline. Observed: 45 variant alleles.

Illumina Laboratory Services, Illumina
Classification: Benign for Cerebellar ataxia, impaired intellectual development, and dysequilibrium syndrome 1. Last evaluated: 2018-01-13. Review status: criteria provided, single submitter. Criteria: ICSL Variant Classification Criteria 13 December 2019. Collection method: clinical testing. Allele origin: germline.
Comment: This variant was observed in the ICSL laboratory as part of a predisposition screen in an ostensibly healthy population. It had not been previously curated by ICSL or reported in the Human Gene Mutation Database (HGMD: prior to June 1st, 2018), and was therefore a candidate for classification through an automated scoring system. Utilizing variant allele frequency, disease prevalence and penetrance estimates, and inheritance mode, an automated score was calculated to assess if this variant is too frequent to cause the disease. Based on the score and internal cut-off values, a variant classified as benign is not then subjected to further curation. The score for this variant resulted in a classification of benign for this disease.

GeneDx
Classification: Benign. Last evaluated: 2014-03-21. Review status: criteria provided, single submitter. Criteria: GeneDx Variant Classification (06012015). Collection method: clinical testing. Allele origin: germline. Affected: yes.
Comment: This variant is considered likely benign or benign based on one or more of the following criteria: it is a conservative change, it occurs at a poorly conserved position in the protein, it is predicted to be benign by multiple in silico algorithms, and/or has population frequency not consistent with disease.

Breakthrough Genomics
Classification: Likely benign. Review status: criteria provided, single submitter. Criteria: ACMG Guidelines, 2015. Collection method: not provided. Allele origin: germline. Inheritance: Autosomal recessive inheritance. Affected: yes.

Genetic Services Laboratory, University of Chicago
Classification: Likely benign for AllHighlyPenetrant. Review status: no assertion criteria provided. Collection method: clinical testing. Allele origin: germline. Inheritance: Autosomal recessive inheritance. Not counted in ClinVar's aggregate classification.
Comment: Likely benign based on allele frequency in 1000 Genomes Project or ESP global frequency and its presence in a patient with a rare or unrelated disease phenotype. NOT Sanger confirmed.